The following is an entry in ClinVar:

NM_078480.3(PUF60):c.959C>T (p.Pro320Leu)

Gene: PUF60 (poly(U) binding splicing factor 60; minus strand). Cytogenetic location: 8q24.3.
Variant type: single nucleotide variant.
Coding change: c.959C>T on transcript NM_078480.3 (MANE Select); coding-DNA position 959, C replaced by T.
Protein change: p.Pro320Leu; replaces proline 320 with leucine.
Molecular consequence: missense variant.
Genome position (GRCh38, 1-based): chr8:143,817,641, G>A on the plus strand (C>T on the coding strand, the complement: PUF60 is on the minus strand). VCF-style: chr8-143817641-G-A. GRCh37 (hg19) VCF-style: chr8-144899811-G-A.
Other names: c.830C>T, p.Pro277Leu (NM_001136033.3); c.905C>T, p.Pro302Leu (NM_001271096.2); c.821C>T, p.Pro274Leu (NM_001271097.2); c.956C>T, p.Pro319Leu (NM_001271098.2); c.872C>T, p.Pro291Leu (NM_001271099.2); c.779C>T, p.Pro260Leu (NM_001271100.2); c.1070C>T, p.Pro357Leu (NM_001362895.2, NM_001362896.2); c.1019C>T, p.Pro340Leu (NM_001362897.2); and 1 more; short protein forms P260L, P274L, P277L, P291L, P302L, P303L, P319L, P320L.
Identifiers: ClinVar variation 3363963 (VCV003363963.1).

ClinVar aggregate classification (germline): Uncertain significance (1 of 4 stars; one submission).

Submission:

GeneDx
Classification: Uncertain significance. Last evaluated: 2023-11-10. Review status: criteria provided, single submitter. Criteria: GeneDx Variant Classification Process June 2021. Collection method: clinical testing. Allele origin: germline. Affected: yes.
Comment: Not observed at significant frequency in large population cohorts (gnomAD); In silico analysis supports that this missense variant does not alter protein structure/function; Has not been previously published as pathogenic or benign to our knowledge